The following is an entry in ClinVar:

ClinVar aggregate classification (germline): Uncertain significance (1 of 4 stars; one submission).

Conditions:
Hyperphosphatasia with intellectual disability syndrome 5 (GPIBD11). Also called: GLYCOSYLPHOSPHATIDYLINOSITOL BIOSYNTHESIS DEFECT 11. Identifiers: Orphanet 247262, MedGen C4014958, MONDO:0014457, OMIM 616025.

Submission:

Juno Genomics, Hangzhou Juno Genomics, Inc
Classification: Uncertain significance for Hyperphosphatasia with intellectual disability syndrome 5. Review status: criteria provided, single submitter. Criteria: ACMG Guidelines, 2015. Collection method: clinical testing. Allele origin: germline. Affected: yes.
Comment: Absent from controls (or at extremely low frequency if recessive) in Genome Aggregation Database, Exome Sequencing Project, 1000 Genomes Project, or Exome Aggregation Consortium.;Null variant in a gene where loss of function (LOF) is a known mechanism of disease.

NM_001346754.2(PIGW):c.1112del (p.Asn370_Leu371insTer)

Genes: MYO19 (myosin XIX; minus strand), PIGW (phosphatidylinositol glycan anchor biosynthesis class W; plus strand). Cytogenetic location: 17q12.
Variant type: Deletion.
Coding change: c.1112del on transcript NM_001346754.2 (MANE Select); coding-DNA position 1112, one base deleted (T; older notation c.1112delT).
Protein change: p.Asn370_Leu371insTer.
Molecular consequence: nonsense.
Genome position (GRCh38, 1-based): chr17:36,538,213, T deleted; the last of 3 consecutive T bases (chr17:36,538,211-36,538,213); deleting any one gives the same sequence. VCF-style (leftmost placement, unchanged base first): chr17-36538210-AT-A. GRCh37 (hg19) VCF-style: chr17-34894059-AT-A.
Other names: c.1112del, p.Asn370_Leu371insTer (NM_001346755.2, NM_178517.5).
Identifiers: ClinVar variation 3382635 (VCV003382635.2).